The following is an entry in ClinVar:

ClinVar aggregate classification (germline): Conflicting classifications of pathogenicity. Review status: criteria provided, conflicting classifications (1 of 4 stars). 3 submissions from 3 submitters: Uncertain significance (2); Likely benign (1). Last evaluated 2024-04-12.

Conditions:
Hereditary breast ovarian cancer syndrome. Also called: Hereditary breast and/or ovarian cancer syndrome; BRCA1- and BRCA2-Associated Hereditary Breast and Ovarian Cancer; Hereditary breast and ovarian cancer syndrome; Hereditary breast and ovarian cancer; Hereditary breast and ovarian cancer syndrome (HBOC); Breast and ovarian cancer. Identifiers: Orphanet 145, MedGen C0677776, MeSH D061325, MONDO:0003582. Disease mechanism: loss of function.
Breast-ovarian cancer, familial, susceptibility to, 1 (BROVCA1). Also called: BRCA1 Hereditary Breast and Ovarian Cancer; OVARIAN CANCER, SUSCEPTIBILITY TO. Identifiers: Orphanet 145, MedGen C2676676, MONDO:0011450, OMIM 604370. Disease mechanism: loss of function.
Fanconi anemia, complementation group S (FANCS). Identifiers: MedGen C4554406, MONDO:0054748, OMIM 617883.

Submissions (4):

Lupski Lab, Baylor-Hopkins CMG, Baylor College of Medicine
Classification: Likely benign for Breast-ovarian cancer, familial, susceptibility to, 1. Last evaluated: 2024-04-12. Review status: criteria provided, single submitter. Criteria: Dawood et al. (medRxiv. 2024). Collection method: curation. Allele origin: germline.
Comment: Each variant was annotated with functional scores from MAVE data which was translated into functional evidence codes. All other evidence codes and combining criteria were adhered to as closely as possible based on the ClinGen VCEP (Variant Curation Expert Panel) gene-specific recommendations. See Supplemental Figure 34 of final paper (Supp Fig. 28 in preprint: doi:10.1101/2024.04.11.24305690) for a table to see which lines of evidence we did not have data for. The ClinGen VCEPs are highly regarded as the gold-standard for gene-specific variant curation and are developed after extensive evaluation of the evidence by clinical and scientific experts for the particular gene to classify genomic variants on a spectrum from pathogenic to benign using the 2015 ACMG/AMP Variant Interpretation Guidelines as a backbone (PMID: 25741868). Reclassification of these VUS variants from gnomAD or All of Us focused only on variants originally prescribed as VUS in ClinVar. To ensure reproducibility, transparency, and increased throughput, all the procedures for annotating variants and assigning evidence codes were codified using Python. All code has been made freely available and is linked in the Code Availability section and all reclassified variants with evidence codes used can be found in Tables S18-19 (preprint: doi:10.1101/2024.04.11.24305690). For the MAVE data, the clinical curation and clinical strength assignment as per the ClinGen recommendations in Brnich et al. (2020) (PMID: 31892348) for or against pathogenicity or benignity of each of these MAVE datasets utilized in this study were previously published in Fayer et al. (2021) (PMID: 34793697).In brief, for BRCA1 variants, if a variant was categorized as FUNC (functional), it was assigned BS3 evidence and no PS3 evidence, whereas if it was categorized as LOF (loss of function), the variant was assigned PS3 evidence and no BS3 evidence. Variants categorized as INT (intermediate) were left unannotated. For the BRCA1 combining criteria, greater than or equal to 1 criteria of strong benign evidence was enough to reclassify the VUS as Likely Benign. This variant GRCh38:17:43045719:C>T was assigned evidence codes ['BS3', 'BP4'] and an overall classification of Likely benign

Department of Pathology and Laboratory Medicine, Sinai Health System
Classification: Uncertain significance for Fanconi anemia, complementation group S. Last evaluated: 2020-10-21. Review status: criteria provided, single submitter. Criteria: ACMG Guidelines, 2015. Collection method: clinical testing. Allele origin: germline.

Labcorp Genetics (formerly Invitae), Labcorp
Classification: Uncertain significance for Hereditary breast ovarian cancer syndrome. Last evaluated: 2019-06-03. Review status: criteria provided, single submitter. Criteria: Invitae Variant Classification Sherloc (09022015). Collection method: clinical testing. Allele origin: germline.
Comment: Algorithms developed to predict the effect of missense changes on protein structure and function output the following: SIFT: "Tolerated"; PolyPhen-2: "Possibly Damaging"; Align-GVGD: "Class C0". The asparagine amino acid residue is found in multiple mammalian species, suggesting that this missense change does not adversely affect protein function. These predictions have not been confirmed by published functional studies and their clinical significance is uncertain. This variant has not been reported in the literature in individuals with BRCA1-related conditions. This variant is not present in population databases (ExAC no frequency). This sequence change replaces aspartic acid with asparagine at codon 1851 of the BRCA1 protein (p.Asp1851Asn). The aspartic acid residue is highly conserved and there is a small physicochemical difference between aspartic acid and asparagine. In summary, the available evidence is currently insufficient to determine the role of this variant in disease. Therefore, it has been classified as a Variant of Uncertain Significance.

Brotman Baty Institute, University of Washington
No classification provided (evidence only). Condition: Breast-ovarian cancer, familial 1. Review status: no classification provided. Collection method: in vitro. Allele origin: not applicable. Functional consequence: functionally_normal. Not counted in ClinVar's aggregate classification.
ClinVar note: "not provided" was previously submitted as the classification for the variant. However, the classification appeared to be based only on an observation of functional data so it was converted to no classification on 2025-07-30.

Literature cited by the submitters: PubMed 39142283 (cited by Lupski Lab, Baylor-Hopkins CMG, Baylor College of Medicine); PubMed 34793697 (cited by Lupski Lab, Baylor-Hopkins CMG, Baylor College of Medicine); DOI 10.1101/2024.04.11.24305690 (cited by Lupski Lab, Baylor-Hopkins CMG, Baylor College of Medicine).

NM_007294.4(BRCA1):c.5551G>A (p.Asp1851Asn)

Gene: BRCA1 (BRCA1 DNA repair associated; minus strand). Cytogenetic location: 17q21.31.
Variant type: single nucleotide variant.
Coding change: c.5551G>A on transcript NM_007294.4 (MANE Select); coding-DNA position 5551, G replaced by A.
Protein change: p.Asp1851Asn; replaces aspartic acid 1851 with asparagine.
Molecular consequence: missense variant. On other transcripts: 3 prime UTR variant (1), non-coding transcript variant (1).
Genome position (GRCh38, 1-based): chr17:43,045,719, C>T on the plus strand (G>A on the coding strand, the complement: BRCA1 is on the minus strand). VCF-style: chr17-43045719-C-T. GRCh37 (hg19) VCF-style: chr17-41197736-C-T.
Other names: c.2239G>A, p.Asp747Asn (NM_001407982.1, NM_001407983.1, NM_001407984.1 and 11 more transcripts); c.2236G>A, p.Asp746Asn (NM_001408403.1, NM_001408404.1, NM_001408392.1 and 7 more transcripts); c.2233G>A, p.Asp745Asn (NM_001408406.1, NM_001408407.1, NM_001408408.1); c.2230G>A, p.Asp744Asn (NM_001408409.1); c.2167G>A, p.Asp723Asn (NM_001408410.1); c.2164G>A, p.Asp722Asn (NM_001408411.1); c.2161G>A, p.Asp721Asn (NM_001408412.1, NM_001408416.1, NM_001408413.1 and 2 more transcripts); c.2122G>A, p.Asp708Asn (NM_001408424.1, NM_001408421.1, NM_001408422.1 and 1 more transcripts); and 74 more; short protein forms D1851N, D1872N, D747N, D1804N, D1554N, D1682N, D1767N, D1779N.
Identifiers: ClinVar variation 853644 (VCV000853644.15), dbSNP rs2050862880, ClinGen allele CA10590220.